The following is an entry in ClinVar:

NM_018139.3(DNAAF2):c.1586A>G (p.Gln529Arg)

Gene: DNAAF2 (dynein axonemal assembly factor 2; minus strand). Cytogenetic location: 14q21.3.
Variant type: single nucleotide variant.
Coding change: c.1586A>G on transcript NM_018139.3 (MANE Select); coding-DNA position 1586, A replaced by G.
Protein change: p.Gln529Arg; replaces glutamine 529 with arginine.
Molecular consequence: missense variant. On other transcripts: 5 prime UTR variant (1).
Genome position (GRCh38, 1-based): chr14:49,633,564, T>C on the plus strand (A>G on the coding strand, the complement: DNAAF2 is on the minus strand). VCF-style: chr14-49633564-T-C. GRCh37 (hg19) VCF-style: chr14-50100282-T-C.
Other names: c.1586A>G, p.Gln529Arg (NM_001083908.2); c.-286A>G (NM_001378453.1); short protein forms Q529R.
Identifiers: ClinVar variation 3719787 (VCV003719787.2).

ClinVar aggregate classification (germline): Uncertain significance (1 of 4 stars; one submission).

Conditions:
Primary ciliary dyskinesia. Also called: Ciliary dyskinesia. Identifiers: Orphanet 244, MedGen C0008780, MONDO:0016575, HP:0012265.

Submission:

Labcorp Genetics (formerly Invitae), Labcorp
Classification: Uncertain significance for Primary ciliary dyskinesia. Last evaluated: 2024-11-19. Review status: criteria provided, single submitter. Criteria: Invitae Variant Classification Sherloc (09022015). Collection method: clinical testing. Allele origin: germline.
Comment: This sequence change replaces glutamine, which is neutral and polar, with arginine, which is basic and polar, at codon 529 of the DNAAF2 protein (p.Gln529Arg). This variant is present in population databases (no rsID available, gnomAD 0.003%). This variant has not been reported in the literature in individuals affected with DNAAF2-related conditions. Invitae Evidence Modeling of protein sequence and biophysical properties (such as structural, functional, and spatial information, amino acid conservation, physicochemical variation, residue mobility, and thermodynamic stability) indicates that this missense variant is expected to disrupt DNAAF2 protein function with a positive predictive value of 80%. In summary, the available evidence is currently insufficient to determine the role of this variant in disease. Therefore, it has been classified as a Variant of Uncertain Significance.